The following is an entry in ClinVar:

ClinVar aggregate classification (germline): Uncertain significance. Review status: reviewed by expert panel (3 of 4 stars). 5 submissions from 4 submitters: Uncertain significance (1). 4 of the submissions do not count toward it. Last evaluated 2025-04-16.

Conditions:
Usher syndrome. Also called: Usher's syndrome; Usher Syndromes. Identifiers: Orphanet 886, MedGen CN469326, MeSH D052245, MONDO:0019501. Disease mechanism: loss of function.
Retinal dystrophy. Also called: Inherited retinal dystrophy. Identifiers: Orphanet 71862, MedGen C0854723, MeSH D058499, MONDO:0019118, HP:0000556.
Retinitis pigmentosa (RP). Identifiers: Orphanet 791, MedGen C0035334, MeSH D012174, MONDO:0019200, OMIM 268000. Inheritance: Autosomal dominant, autosomal recessive and X linked inheritance.
Usher syndrome type 2A. Also called: USHER SYNDROME, TYPE IIA; RETINAL DISEASE IN USHER SYNDROME TYPE IIA, MODIFIER OF. Identifiers: Orphanet 231178, Orphanet 886, MedGen C1848634, MONDO:0010169, OMIM 276901.

Allele frequency attached by ClinVar (database versions not stated): gnomAD exomes 0.00001.
gnomAD v4.1: 7 of 1,613,662 alleles (0.00043%); highest among the groups gnomAD compares: Non-Finnish European, 0.00059%; no homozygotes.

Submissions (5):

ClinGen Hearing Loss Variant Curation Expert Panel
Classification: Uncertain significance for Usher syndrome. Last evaluated: 2025-04-16. Review status: reviewed by expert panel. Criteria: Clingen Hl Acmg Specifications Cdh23 Coch Gjb2 Kcnq4 Myo6 Myo7a Slc26a4 Tecta Ush2a V2. Collection method: curation. Allele origin: germline. Inheritance: Autosomal recessive inheritance.
Comment: The NM_206933.4:c.6446C>A variant in the USH2A gene is a missense variant predicted to cause the substitution of proline by glutamine at amino acid 2149 (p.Pro2149Gln). The minor allele frequency of this variant in gnomAD v.4.1.0 was 0.00059% (7/1179718 alleles) in the European (non-Finnish) population meeting PM2_Supporting. The REVEL computational prediction analysis tool produced a score of 0.355, which doesn’t meet either of the thresholds necessary to apply PP3/BP4. In summary, this variant meets criteria to be classified as variant of uncertain significance for autosomal recessive Usher syndrome based on the ACMG/AMP criteria applied as specified by the ClinGen Hearing Loss Expert Panel: PM3, PM2_Supporting, PP4 (ClinGen Hearing Loss VCEP specifications version 2; 4/16/2025).

3billion
Classification: Likely pathogenic for Usher syndrome type 2A. Last evaluated: 2025-11-11. Review status: criteria provided, single submitter. Criteria: ACMG Guidelines, 2015. Collection method: clinical testing. Allele origin: germline. Affected: yes. Not counted in ClinVar's aggregate classification.
Comment: The variant is observed at an extremely low frequency in the gnomAD v4.1.0 dataset (total allele frequency: <0.001%). Predicted Consequence/Location: Missense variant The same nucleotide change resulting in the same amino acid change has been previously reported to be associated with USH2A-related disorder (ClinVar ID: VCV000224753 /PMID: 26872967). However, the evidence of pathogenicity is insufficient at this time. The variant has been reported to be in trans with a pathogenic variant as either compound heterozygous or homozygous in at least 2 similarly affected unrelated individuals (PMID: 26872967, 28041643, 29074561). Therefore, this variant is classified as Likely pathogenic according to the recommendation of ACMG/AMP guideline.

Centre for Genomic Medicine, Manchester, Central Manchester University Hospitals
Classification: Likely pathogenic for Usher syndrome type 2A. Last evaluated: 2015-08-28. Review status: no assertion criteria provided. Collection method: clinical testing. Allele origin: germline. Affected: yes. Not counted in ClinVar's aggregate classification.

NIHR Bioresource Rare Diseases, University of Cambridge
Classification: Likely pathogenic for Retinitis pigmentosa. Last evaluated: 2015-01-01. Review status: no assertion criteria provided. Collection method: research. Allele origin: unknown. Affected: yes. Observed: 1 variant allele. Not counted in ClinVar's aggregate classification.

Centre for Genomic Medicine, Manchester, Central Manchester University Hospitals
Classification: Uncertain significance for Retinal dystrophy. Review status: no assertion criteria provided. Collection method: clinical testing. Allele origin: germline. Affected: yes. Not counted in ClinVar's aggregate classification.

Literature cited by the submitters: PubMed 29074561 (cited by 3billion); PubMed 26872967 (cited by 3billion and Centre for Genomic Medicine, Manchester, Central Manchester University Hospitals); PubMed 28041643 (cited by 3billion and NIHR Bioresource Rare Diseases, University of Cambridge).

NM_206933.4(USH2A):c.6446C>A (p.Pro2149Gln)

Gene: USH2A (usherin; minus strand). Cytogenetic location: 1q41.
Variant type: single nucleotide variant.
Coding change: c.6446C>A on transcript NM_206933.4 (MANE Select); coding-DNA position 6446, C replaced by A.
Protein change: p.Pro2149Gln; replaces proline 2149 with glutamine.
Molecular consequence: missense variant.
Genome position (GRCh38, 1-based): chr1:216,000,442, G>T on the plus strand (C>A on the coding strand, the complement: USH2A is on the minus strand). VCF-style: chr1-216000442-G-T. GRCh37 (hg19) VCF-style: chr1-216173784-G-T.
Other names: NM_206933.4(USH2A):c.6446C>A; c.6446C>A (NM_206933.3); short protein forms P2149Q.
Identifiers: ClinVar variation 224753 (VCV000224753.7), dbSNP rs869312182, ClinGen allele CA354063.